The following is an entry in ClinVar:

ClinVar aggregate classification (germline): Benign. Review status: criteria provided, multiple submitters, no conflicts (2 of 4 stars). 11 submissions from 11 submitters: Benign (9). 2 of the submissions do not count toward it. Last evaluated 2026-01-30.

Conditions:
Microcephaly 7, primary, autosomal recessive. Identifiers: Orphanet 2512, MedGen C2675187, MONDO:0012989, OMIM 612703.

Allele frequency attached by ClinVar (database versions not stated): ESP Exome Variant Server 0.16500; TOPMed 0.17455; 1000 Genomes Project 30x 0.23142; 1000 Genomes Project 0.23203.
gnomAD v4.1: 168,087 of 1,613,872 alleles (10%); highest among the groups gnomAD compares: African/African-American, 36%; 13,299 homozygotes.

Submissions (11):

Labcorp Genetics (formerly Invitae), Labcorp
Classification: Benign. Last evaluated: 2026-01-30. Review status: criteria provided, single submitter. Criteria: Invitae Variant Classification Sherloc (09022015). Collection method: clinical testing. Allele origin: germline.

Blueprint Genetics
Classification: Benign. Last evaluated: 2024-11-26. Review status: criteria provided, single submitter. Criteria: ACMG Guidelines, 2015. Collection method: clinical testing. Allele origin: germline.

Genome-Nilou Lab
Classification: Benign for Microcephaly 7, primary, autosomal recessive. Last evaluated: 2023-04-11. Review status: criteria provided, single submitter. Criteria: ACMG Guidelines, 2015. Collection method: clinical testing. Allele origin: germline. Affected: no.

Illumina Laboratory Services, Illumina
Classification: Benign for Microcephaly 7, primary, autosomal recessive. Last evaluated: 2018-01-13. Review status: criteria provided, single submitter. Criteria: ICSL Variant Classification Criteria 13 December 2019. Collection method: clinical testing. Allele origin: germline.
Comment: This variant was observed in the ICSL laboratory as part of a predisposition screen in an ostensibly healthy population. It had not been previously curated by ICSL or reported in the Human Gene Mutation Database (HGMD: prior to June 1st, 2018), and was therefore a candidate for classification through an automated scoring system. Utilizing variant allele frequency, disease prevalence and penetrance estimates, and inheritance mode, an automated score was calculated to assess if this variant is too frequent to cause the disease. Based on the score and internal cut-off values, a variant classified as benign is not then subjected to further curation. The score for this variant resulted in a classification of benign for this disease.

Athena Diagnostics
Classification: Benign. Last evaluated: 2017-04-20. Review status: criteria provided, single submitter. Criteria: Athena Diagnostics Criteria. Collection method: clinical testing. Allele origin: germline.

GeneDx
Classification: Benign. Last evaluated: 2015-03-03. Review status: criteria provided, single submitter. Criteria: GeneDx Variant Classification Process June 2021. Collection method: clinical testing. Allele origin: germline. Affected: yes.

Genetic Services Laboratory, University of Chicago
Classification: Benign. Last evaluated: 2013-02-08. Review status: criteria provided, single submitter. Criteria: ACMG Guidelines, 2007. Collection method: clinical testing. Allele origin: germline. Inheritance: Autosomal recessive inheritance.

Breakthrough Genomics
Classification: Benign. Review status: criteria provided, single submitter. Criteria: ACMG Guidelines, 2015. Collection method: not provided. Allele origin: germline. Inheritance: Autosomal recessive inheritance. Affected: yes.

PreventionGenetics, part of Exact Sciences
Classification: Benign. Review status: criteria provided, single submitter. Criteria: ACMG Guidelines, 2015. Collection method: clinical testing. Allele origin: germline.

Clinical Genetics DNA and cytogenetics Diagnostics Lab, Erasmus MC, Erasmus Medical Center
Classification: Benign. Review status: no assertion criteria provided. Collection method: clinical testing. Allele origin: germline. Affected: yes. Study: VKGL Data-share Consensus. Not counted in ClinVar's aggregate classification.

Joint Genome Diagnostic Labs from Nijmegen and Maastricht, Radboudumc and MUMC+
Classification: Benign. Review status: no assertion criteria provided. Collection method: clinical testing. Allele origin: germline. Affected: yes. Study: VKGL Data-share Consensus. Not counted in ClinVar's aggregate classification.

NM_001048166.1(STIL):c.1452C>G (p.Ser484=)

Gene: STIL (STIL centriolar assembly protein; minus strand). Cytogenetic location: 1p33.
Variant type: single nucleotide variant.
Coding change: c.1452C>G on transcript NM_001048166.1 (MANE Select); coding-DNA position 1452, C replaced by G.
Protein change: p.Ser484=; no amino-acid change (serine 484 retained).
Molecular consequence: synonymous variant.
Genome position (GRCh38, 1-based): chr1:47,281,006, G>C on the plus strand (C>G on the coding strand, the complement: STIL is on the minus strand). VCF-style: chr1-47281006-G-C. GRCh37 (hg19) VCF-style: chr1-47746678-G-C.
Other names: c.1452C>G, p.Ser484= (NM_001282936.1, NM_001282937.1, NM_003035.2); c.1311C>G, p.Ser437= (NM_001282938.1, NM_001282939.1).
Identifiers: ClinVar variation 160051 (VCV000160051.26), dbSNP rs10789505, ClinGen allele CA173617.